The following is an entry in ClinVar:

ClinVar aggregate classification (germline): Pathogenic (1 of 4 stars; one submission).

Conditions:
Familial adenomatous polyposis 1 (FAP1). Also called: FAMILIAL ADENOMATOUS POLYPOSIS 1, ATTENUATED; POLYPOSIS, ADENOMATOUS INTESTINAL. Identifiers: MedGen C2713442, MONDO:0021056, OMIM 175100. Disease mechanism: loss of function.

Submission:

Myriad Genetics, Inc.
Classification: Pathogenic for Familial adenomatous polyposis 1. Last evaluated: 2023-01-13. Review status: criteria provided, single submitter. Criteria: Myriad Autosomal Dominant, Autosomal Recessive and X-Linked Classification Criteria (2023). Collection method: clinical testing. Allele origin: unknown.
Comment: This variant is considered pathogenic. This variant creates a frameshift predicted to result in premature protein truncation.

NM_000038.6(APC):c.898dup (p.Ala300fs)

Gene: APC (APC regulator of Wnt signaling pathway; plus strand). Cytogenetic location: 5q22.2.
Variant type: Duplication.
Coding change: c.898dup on transcript NM_000038.6 (MANE Select); coding-DNA position 898, one base duplicated (G; older notation c.898dupG).
Protein change: p.Ala300fs; shifts the reading frame from alanine 300.
Molecular consequence: frameshift variant.
Genome position (GRCh38, 1-based): chr5:112,815,558, G duplicated. VCF-style (leftmost placement, unchanged base first): chr5-112815557-T-TG. GRCh37 (hg19) VCF-style: chr5-112151254-T-TG.
Other names: c.898dup, p.Ala300fs (NM_001127510.3, NM_001354895.2, NM_001354896.2 and 1 more transcripts); c.844dup, p.Ala282fs (NM_001127511.3); c.928dup, p.Ala310fs (NM_001354897.2, NM_001354902.2); c.823dup, p.Ala275fs (NM_001354898.2, NM_001354904.2); c.814dup, p.Ala272fs (NM_001354899.2); c.721dup, p.Ala241fs (NM_001354900.2, NM_001354901.2, NM_001354905.2); c.49dup, p.Ala17fs (NM_001354906.2); c.928dup, p.Ala310Glyfs (NM_001407446.1); and 5 more; short protein forms A17fs, A241fs, A272fs, A275fs, A282fs, A300fs, A310fs.
Identifiers: ClinVar variation 2431252 (VCV002431252.2), dbSNP rs2532970672, ClinGen allele CA2580072291.
Genomic context (GRCh38, chr5:112,815,557, plus strand): 5'-TTCAACTACACGAATGGACCATGAAACAGCCAGTGTTTTGAGTTCTAGTAGCACACACTC[T>TG]GCACCTCGAAGGCTGACAAGTCATCTGGGAACCAAGGTAACAGAAGATTACAAACCCTGG-3'